The following is an entry in ClinVar:

NM_182916.3(TRNT1):c.993A>T (p.Lys331Asn)

Gene: TRNT1 (tRNA nucleotidyl transferase 1; plus strand). Cytogenetic location: 3p26.2.
Variant type: single nucleotide variant.
Coding change: c.993A>T on transcript NM_182916.3 (MANE Select); coding-DNA position 993, A replaced by T.
Protein change: p.Lys331Asn; replaces lysine 331 with asparagine.
Molecular consequence: missense variant. On other transcripts: non-coding transcript variant (8).
Genome position (GRCh38, 1-based): chr3:3,147,640, A>T. VCF-style: chr3-3147640-A-T. GRCh37 (hg19) VCF-style: chr3-3189324-A-T.
Other names: c.933A>T, p.Lys311Asn (NM_001302946.2); c.993A>T, p.Lys331Asn (NM_001367321.1, NM_001367322.1, NM_001367323.1); c.993A>T (NM_182916.2); short protein forms K331N, K311N.
Identifiers: ClinVar variation 1431296 (VCV001431296.4), dbSNP rs1706133107, ClinGen allele CA351448110.

ClinVar aggregate classification (germline): Uncertain significance. Review status: criteria provided, multiple submitters, no conflicts (2 of 4 stars). 2 submissions from 2 submitters: Uncertain significance (2). Last evaluated 2022-08-23.

Conditions:
Inborn genetic diseases. Identifiers: MedGen C0950123, MeSH D030342.
Congenital sideroblastic anemia-B-cell immunodeficiency-periodic fever-developmental delay syndrome. Also called: Sideroblastic anemia with B-cell immunodeficiency, periodic fevers, and developmental delay. Identifiers: Orphanet 369861, MedGen C4015172, MONDO:0014487, OMIM 616084.

Allele frequency attached by ClinVar (database versions not stated): TOPMed below 0.00001.

Submissions (2):

Labcorp Genetics (formerly Invitae), Labcorp
Classification: Uncertain significance for Congenital sideroblastic anemia-B-cell immunodeficiency-periodic fever-developmental delay syndrome. Last evaluated: 2022-08-23. Review status: criteria provided, single submitter. Criteria: Invitae Variant Classification Sherloc (09022015). Collection method: clinical testing. Allele origin: germline.
Comment: This sequence change replaces lysine, which is basic and polar, with asparagine, which is neutral and polar, at codon 331 of the TRNT1 protein (p.Lys331Asn). This variant is not present in population databases (gnomAD no frequency). This variant has not been reported in the literature in individuals affected with TRNT1-related conditions. ClinVar contains an entry for this variant (Variation ID: 1431296). Algorithms developed to predict the effect of missense changes on protein structure and function output the following: SIFT: "Tolerated"; PolyPhen-2: "Benign"; Align-GVGD: "Class C0". The asparagine amino acid residue is found in multiple mammalian species, which suggests that this missense change does not adversely affect protein function. In summary, the available evidence is currently insufficient to determine the role of this variant in disease. Therefore, it has been classified as a Variant of Uncertain Significance.

Ambry Genetics
Classification: Uncertain significance for Inborn genetic diseases. Last evaluated: 2021-12-17. Review status: criteria provided, single submitter. Criteria: Ambry Variant Classification Scheme 2023. Collection method: clinical testing. Allele origin: germline.